The following is an entry in ClinVar:

NM_000533.5(PLP1):c.584C>T (p.Ala195Val)

Genes: RAB9B (RAB9B, member RAS oncogene family; minus strand), PLP1 (proteolipid protein 1; plus strand). Cytogenetic location: Xq22.2.
Variant type: single nucleotide variant.
Coding change: c.584C>T on transcript NM_000533.5 (MANE Select); coding-DNA position 584, C replaced by T.
Protein change: p.Ala195Val; replaces alanine 195 with valine.
Molecular consequence: missense variant.
Genome position (GRCh38, 1-based): chrX:103,787,928, C>T. VCF-style: chrX-103787928-C-T. GRCh37 (hg19) VCF-style: chrX-103042857-C-T.
Other names: c.584C>T (NM_000533.3); c.584C>T, p.Ala195Val (NM_001128834.3); c.419C>T, p.Ala140Val (NM_001305004.1); c.479C>T, p.Ala160Val (NM_199478.3); short protein forms A160V, A140V, A195V.
Identifiers: ClinVar variation 2129393 (VCV002129393.6), dbSNP rs2074511820, ClinGen allele CA414104012.

ClinVar aggregate classification (germline): Uncertain significance. Review status: criteria provided, multiple submitters, no conflicts (2 of 4 stars). 2 submissions from 2 submitters: Uncertain significance (2). Last evaluated 2024-11-11.

Conditions:
Hereditary spastic paraplegia 2 (SPG2). Also called: Spastic Paraplegia 2 (SPG2); SPASTIC PARAPLEGIA 2, X-LINKED. Identifiers: Orphanet 99015, MedGen C0751604, MONDO:0010733, OMIM 312920.

Allele frequency attached by ClinVar (database versions not stated): TOPMed below 0.00001; gnomAD 0.00001.
gnomAD v4.1: 1 of 1,208,868 alleles (0.000083%); highest among the groups gnomAD compares: African/African-American, 0.0017%; no homozygotes.

Submissions (2):

GeneDx
Classification: Uncertain significance. Last evaluated: 2024-11-11. Review status: criteria provided, single submitter. Criteria: GeneDx Variant Classification Process June 2021. Collection method: clinical testing. Allele origin: germline. Affected: yes.
Comment: Not observed at significant frequency in large population cohorts (gnomAD); Missense variants in this gene are a common cause of disease and they are underrepresented in the general population; In silico analysis supports that this missense variant has a deleterious effect on protein structure/function; Has not been previously published as pathogenic or benign to our knowledge

Labcorp Genetics (formerly Invitae), Labcorp
Classification: Uncertain significance for Hereditary spastic paraplegia 2. Last evaluated: 2022-11-29. Review status: criteria provided, single submitter. Criteria: Invitae Variant Classification Sherloc (09022015). Collection method: clinical testing. Allele origin: germline.
Comment: In summary, the available evidence is currently insufficient to determine the role of this variant in disease. Therefore, it has been classified as a Variant of Uncertain Significance. Advanced modeling of protein sequence and biophysical properties (such as structural, functional, and spatial information, amino acid conservation, physicochemical variation, residue mobility, and thermodynamic stability) performed at Invitae indicates that this missense variant is not expected to disrupt PLP1 protein function. This variant has not been reported in the literature in individuals affected with PLP1-related conditions. This variant is not present in population databases (gnomAD no frequency). This sequence change replaces alanine, which is neutral and non-polar, with valine, which is neutral and non-polar, at codon 195 of the PLP1 protein (p.Ala195Val).